The following is an entry in ClinVar:

ClinVar aggregate classification (germline): Uncertain significance (1 of 4 stars; one submission).

Conditions:
Hereditary cancer-predisposing syndrome. Also called: Tumor predisposition; Hereditary Cancer Syndrome; Hereditary neoplastic syndrome; Neoplastic Syndromes, Hereditary. Identifiers: Orphanet 140162, MedGen C0027672, MeSH D009386, MONDO:0015356.

Submission:

Ambry Genetics
Classification: Uncertain significance for Hereditary cancer-predisposing syndrome. Last evaluated: 2024-05-04. Review status: criteria provided, single submitter. Criteria: Ambry Variant Classification Scheme 2023. Collection method: clinical testing. Allele origin: germline.
Comment: The p.S1006I variant (also known as c.3017G>T), located in coding exon 13 of the MET gene, results from a G to T substitution at nucleotide position 3017. The serine at codon 1006 is replaced by isoleucine, an amino acid with dissimilar properties. This amino acid position is conserved. In addition, this alteration is predicted to be deleterious by in silico analysis. Based on the available evidence, the clinical significance of this variant remains unclear.

NM_000245.4(MET):c.2963G>T (p.Ser988Ile)

Gene: MET (MET proto-oncogene, receptor tyrosine kinase; plus strand). Cytogenetic location: 7q31.2.
Variant type: single nucleotide variant.
Coding change: c.2963G>T on transcript NM_000245.4 (MANE Select); coding-DNA position 2963, G replaced by T.
Protein change: p.Ser988Ile; replaces serine 988 with isoleucine.
Molecular consequence: missense variant.
Genome position (GRCh38, 1-based): chr7:116,771,924, G>T. VCF-style: chr7-116771924-G-T. GRCh37 (hg19) VCF-style: chr7-116411978-G-T.
Other names: c.3017G>T, p.Ser1006Ile (NM_001127500.3); c.1673G>T, p.Ser558Ile (NM_001324402.2); short protein forms S558I, S1006I, S988I.
Identifiers: ClinVar variation 3294353 (VCV003294353.1).
Genomic context (GRCh38, chr7:116,771,924, plus strand): 5'-TAGTTCGCTACGATGCAAGAGTACACACTCCTCATTTGGATAGGCTTGTAAGTGCCCGAA[G>T]TGTAAGCCCAACTACAGAAATGGTTTCAAATGAATCTGTAGACTACCGAGCTACTTTTCC-3'
Protein context (NP_000236.2, residues 978-998): PHLDRLVSAR[Ser988Ile]VSPTTEMVSN